The following is an entry in ClinVar:

ClinVar aggregate classification (germline): Uncertain significance (1 of 4 stars; one submission).

Conditions:
Tuberous sclerosis 2 (TSC2). Identifiers: Orphanet 805, MedGen C1860707, MONDO:0013199, OMIM 613254.

Submission:

Labcorp Genetics (formerly Invitae), Labcorp
Classification: Uncertain significance for Tuberous sclerosis 2. Last evaluated: 2024-11-24. Review status: criteria provided, single submitter. Criteria: Invitae Variant Classification Sherloc (09022015). Collection method: clinical testing. Allele origin: germline.
Comment: This sequence change replaces alanine, which is neutral and non-polar, with threonine, which is neutral and polar, at codon 1124 of the TSC2 protein (p.Ala1124Thr). This variant is not present in population databases (gnomAD no frequency). This variant has not been reported in the literature in individuals affected with TSC2-related conditions. Invitae Evidence Modeling of protein sequence and biophysical properties (such as structural, functional, and spatial information, amino acid conservation, physicochemical variation, residue mobility, and thermodynamic stability) indicates that this missense variant is not expected to disrupt TSC2 protein function with a negative predictive value of 95%. In summary, the available evidence is currently insufficient to determine the role of this variant in disease. Therefore, it has been classified as a Variant of Uncertain Significance.

NM_000548.5(TSC2):c.3370G>A (p.Ala1124Thr)

Gene: TSC2 (TSC complex subunit 2; plus strand). Cytogenetic location: 16p13.3.
Variant type: single nucleotide variant.
Coding change: c.3370G>A on transcript NM_000548.5 (MANE Select); coding-DNA position 3370, G replaced by A.
Protein change: p.Ala1124Thr; replaces alanine 1124 with threonine.
Molecular consequence: missense variant. On other transcripts: non-coding transcript variant (5).
Genome position (GRCh38, 1-based): chr16:2,079,642, G>A. VCF-style: chr16-2079642-G-A. GRCh37 (hg19) VCF-style: chr16-2129643-G-A.
Other names: c.2638G>A, p.Ala880Thr (NM_001406687.1, NM_001406688.1, NM_001318831.2); c.2026G>A, p.Ala676Thr (NM_001406689.1); c.1897G>A, p.Ala633Thr (NM_001406690.1, NM_001406692.1, NM_001406693.1 and 1 more transcripts); c.1894G>A, p.Ala632Thr (NM_001406691.1, NM_001406695.1, NM_001406696.1 and 1 more transcripts); c.3127G>A, p.Ala1043Thr (NM_001406678.1); c.3091G>A, p.Ala1031Thr (NM_001406679.1); c.2770G>A, p.Ala924Thr (NM_001406680.1, NM_001406682.1, NM_001406683.1); c.2779G>A, p.Ala927Thr (NM_001406681.1); and 18 more; short protein forms A1044T, A1061T, A1074T, A1076T, A1091T, A1123T, A632T, A633T.
Identifiers: ClinVar variation 3637219 (VCV003637219.2).